The following is an entry in ClinVar:

NM_024757.5(EHMT1):c.3619C>A (p.Leu1207Met)

Gene: EHMT1 (euchromatic histone lysine methyltransferase 1; plus strand). Cytogenetic location: 9q34.3.
Variant type: single nucleotide variant.
Coding change: c.3619C>A on transcript NM_024757.5 (MANE Select); coding-DNA position 3619, C replaced by A.
Protein change: p.Leu1207Met; replaces leucine 1207 with methionine.
Molecular consequence: missense variant.
Genome position (GRCh38, 1-based): chr9:137,834,427, C>A. VCF-style: chr9-137834427-C-A. GRCh37 (hg19) VCF-style: chr9-140728879-C-A.
Other names: c.3598C>A, p.Leu1200Met (NM_001354263.2); short protein forms L1200M, L1207M.
Identifiers: ClinVar variation 1472934 (VCV001472934.8), dbSNP rs764877266, ClinGen allele CA201814151.

ClinVar aggregate classification (germline): Uncertain significance (1 of 4 stars; one submission).

Conditions:
Kleefstra syndrome 1 (KLEFS1). Identifiers: Orphanet 261494, MedGen C0795833, MONDO:0027407, OMIM 610253.

Submission:

Labcorp Genetics (formerly Invitae), Labcorp
Classification: Uncertain significance for Kleefstra syndrome 1. Last evaluated: 2021-07-18. Review status: criteria provided, single submitter. Criteria: Invitae Variant Classification Sherloc (09022015). Collection method: clinical testing. Allele origin: germline.
Comment: This variant has not been reported in the literature in individuals affected with EHMT1-related conditions. This variant is not present in population databases (ExAC no frequency). This sequence change replaces leucine with methionine at codon 1207 of the EHMT1 protein (p.Leu1207Met). The leucine residue is highly conserved and there is a small physicochemical difference between leucine and methionine. In summary, the available evidence is currently insufficient to determine the role of this variant in disease. Therefore, it has been classified as a Variant of Uncertain Significance. Algorithms developed to predict the effect of missense changes on protein structure and function are either unavailable or do not agree on the potential impact of this missense change (SIFT: "Deleterious"; PolyPhen-2: "Probably Damaging"; Align-GVGD: "Class C0").